The following is an entry in ClinVar:

ClinVar aggregate classification (germline): Uncertain significance. Review status: criteria provided, multiple submitters, no conflicts (2 of 4 stars). 4 submissions from 4 submitters: Uncertain significance (3). 1 of the submissions does not count toward it. Last evaluated 2026-03-28.

Conditions:
Hereditary episodic ataxia. Also called: Episodic ataxia; EA syndrome; Episodic Ataxia syndrome. Identifiers: Orphanet 211062, MedGen C1720189, MONDO:0016227, HP:0002131.
Episodic ataxia type 2 (EA2). Also called: ATAXIA, EPISODIC, WITH NYSTAGMUS; ATAXIA, FAMILIAL PAROXYSMAL; CEREBELLAR ATAXIA, PAROXYSMAL, ACETAZOLAMIDE-RESPONSIVE; CEREBELLOPATHY, HEREDITARY PAROXYSMAL; ACETAZOLAMIDE-RESPONSIVE HEREDITARY PAROXYSMAL CEREBELLAR ATAXIA; EPISODIC ATAXIA, NYSTAGMUS-ASSOCIATED. Identifiers: Orphanet 97, MedGen C1720416, MONDO:0007163, OMIM 108500.
Developmental and epileptic encephalopathy, 42 (DEE42A). Also called: DEVELOPMENTAL AND EPILEPTIC ENCEPHALOPATHY 42A; EPILEPTIC ENCEPHALOPATHY, EARLY INFANTILE, 42A; Epileptic encephalopathy, early infantile, 42. Identifiers: MedGen C4310716, MONDO:0014917, OMIM 617106.
Inborn genetic diseases. Identifiers: MedGen C0950123, MeSH D030342.

Allele frequency attached by ClinVar (database versions not stated): TOPMed below 0.00001; gnomAD exomes 0.00001.
gnomAD v4.1: 3 of 1,508,450 alleles (0.0002%); highest among the groups gnomAD compares: Admixed American, 0.002%; no homozygotes.

Submissions (4):

GeneDx
Classification: Uncertain significance. Last evaluated: 2026-03-28. Review status: criteria provided, single submitter. Criteria: GeneDx Variant Classification Process June 2021. Collection method: clinical testing. Allele origin: germline.
Comment: Not observed at significant frequency in large population cohorts (gnomAD); In silico analysis suggests that this missense variant does not alter protein structure/function; Reported in an individual with conotrucal malformations who also had variants in 3 other genes that may have been responsible for the phenotype (PMID: 40127276); This variant is associated with the following publications: (PMID: 40127276)

Ambry Genetics
Classification: Uncertain significance for Inborn genetic diseases. Last evaluated: 2024-11-25. Review status: criteria provided, single submitter. Criteria: Ambry Variant Classification Scheme 2023. Collection method: clinical testing. Allele origin: germline.

Labcorp Genetics (formerly Invitae), Labcorp
Classification: Uncertain significance for Developmental and epileptic encephalopathy, 42; Episodic ataxia type 2. Last evaluated: 2022-08-09. Review status: criteria provided, single submitter. Criteria: Invitae Variant Classification Sherloc (09022015). Collection method: clinical testing. Allele origin: germline.
Comment: In summary, the available evidence is currently insufficient to determine the role of this variant in disease. Therefore, it has been classified as a Variant of Uncertain Significance. Advanced modeling of protein sequence and biophysical properties (such as structural, functional, and spatial information, amino acid conservation, physicochemical variation, residue mobility, and thermodynamic stability) performed at Invitae indicates that this missense variant is not expected to disrupt CACNA1A protein function. ClinVar contains an entry for this variant (Variation ID: 560369). This variant has not been reported in the literature in individuals affected with CACNA1A-related conditions. This variant is not present in population databases (gnomAD no frequency). This sequence change replaces glutamine, which is neutral and polar, with arginine, which is basic and polar, at codon 2231 of the CACNA1A protein (p.Gln2231Arg).

Institute of Human Genetics, University of Wuerzburg
Classification: Uncertain significance for Hereditary episodic ataxia. Review status: no assertion criteria provided. Collection method: clinical testing. Allele origin: unknown. Not counted in ClinVar's aggregate classification.

NM_001127222.2(CACNA1A):c.6689A>G (p.Gln2230Arg)

Gene: CACNA1A (calcium voltage-gated channel subunit alpha1 A; minus strand). Cytogenetic location: 19p13.13.
Variant type: single nucleotide variant.
Coding change: c.6689A>G on transcript NM_001127222.2 (MANE Select); coding-DNA position 6689, A replaced by G.
Protein change: p.Gln2230Arg; replaces glutamine 2230 with arginine.
Molecular consequence: missense variant.
Genome position (GRCh38, 1-based): chr19:13,208,847, T>C on the plus strand (A>G on the coding strand, the complement: CACNA1A is on the minus strand). VCF-style: chr19-13208847-T-C. GRCh37 (hg19) VCF-style: chr19-13319661-T-C.
Other names: c.6707A>G, p.Gln2236Arg (NM_000068.4, NM_023035.3); c.6692A>G, p.Gln2231Arg (NM_001127221.2); c.6698A>G, p.Gln2233Arg (NM_001174080.2); c.6692A>G (NM_001127221.1); short protein forms Q2231R, Q2236R, Q2230R, Q2233R.
Identifiers: ClinVar variation 560369 (VCV000560369.11), dbSNP rs936533797, ClinGen allele CA305547434.